The following is an entry in ClinVar:

ClinVar aggregate classification (germline): Uncertain significance (1 of 4 stars; one submission).

Conditions:
Charcot-Marie-Tooth disease axonal type 2O. Also called: Charcot-Marie-Tooth disease, axonal, type 20; CHARCOT-MARIE-TOOTH NEUROPATHY, AXONAL, TYPE 2O; CHARCOT-MARIE-TOOTH DISEASE, AXONAL, AUTOSOMAL DOMINANT, TYPE 2O; Charcot-Marie-Tooth Neuropathy Type 2O. Identifiers: Orphanet 284232, MedGen C3280220, MONDO:0013644, OMIM 614228.

Submission:

Labcorp Genetics (formerly Invitae), Labcorp
Classification: Uncertain significance for Charcot-Marie-Tooth disease axonal type 2O. Last evaluated: 2024-05-23. Review status: criteria provided, single submitter. Criteria: Invitae Variant Classification Sherloc (09022015). Collection method: clinical testing. Allele origin: germline.
Comment: This sequence change replaces serine, which is neutral and polar, with cysteine, which is neutral and slightly polar, at codon 3917 of the DYNC1H1 protein (p.Ser3917Cys). This variant is not present in population databases (gnomAD no frequency). This variant has not been reported in the literature in individuals affected with DYNC1H1-related conditions. Advanced modeling of protein sequence and biophysical properties (such as structural, functional, and spatial information, amino acid conservation, physicochemical variation, residue mobility, and thermodynamic stability) performed at Invitae indicates that this missense variant is not expected to disrupt DYNC1H1 protein function with a negative predictive value of 95%. In summary, the available evidence is currently insufficient to determine the role of this variant in disease. Therefore, it has been classified as a Variant of Uncertain Significance.

NM_001376.5(DYNC1H1):c.11749A>T (p.Ser3917Cys)

Gene: DYNC1H1 (dynein cytoplasmic 1 heavy chain 1; plus strand). Cytogenetic location: 14q32.31.
Variant type: single nucleotide variant.
Coding change: c.11749A>T on transcript NM_001376.5 (MANE Select); coding-DNA position 11749, A replaced by T.
Protein change: p.Ser3917Cys; replaces serine 3917 with cysteine.
Molecular consequence: missense variant.
Genome position (GRCh38, 1-based): chr14:102,040,294, A>T. VCF-style: chr14-102040294-A-T. GRCh37 (hg19) VCF-style: chr14-102506631-A-T.
Other names: short protein forms S3917C.
Identifiers: ClinVar variation 2800291 (VCV002800291.3), dbSNP rs201024297, ClinGen allele CA391036597.